The following is an entry in ClinVar:

NM_001297.5(CNGB1):c.2043C>T (p.Pro681=)

Gene: CNGB1 (cyclic nucleotide gated channel subunit beta 1; minus strand). Cytogenetic location: 16q21.
Variant type: single nucleotide variant.
Coding change: c.2043C>T on transcript NM_001297.5 (MANE Select); coding-DNA position 2043, C replaced by T.
Protein change: p.Pro681=; no amino-acid change (proline 681 retained).
Molecular consequence: synonymous variant.
Genome position (GRCh38, 1-based): chr16:57,917,391, G>A on the plus strand (C>T on the coding strand, the complement: CNGB1 is on the minus strand). VCF-style: chr16-57917391-G-A. GRCh37 (hg19) VCF-style: chr16-57951295-G-A.
Other names: c.2025C>T, p.Pro675= (NM_001286130.2); c.2043C>T (NM_001297.4).
Identifiers: ClinVar variation 3664265 (VCV003664265.4).

ClinVar aggregate classification (germline): Likely benign. Review status: criteria provided, multiple submitters, no conflicts (2 of 4 stars). 3 submissions from 3 submitters: Likely benign (3). Last evaluated 2025-09-26.

Conditions:
CNGB1-related disorder. Also called: CNGB1-related condition.

gnomAD v4.1: 9 of 1,614,000 alleles (0.00056%); highest among the groups gnomAD compares: African/African-American, 0.008%; no homozygotes.

Submissions (3):

PreventionGenetics, part of Exact Sciences
Classification: Likely benign for CNGB1-related condition. Last evaluated: 2025-09-26. Review status: criteria provided, single submitter. Criteria: ACMG Guidelines, 2015. Collection method: clinical testing. Allele origin: germline.
Comment: This variant is classified as likely benign based on ACMG/AMP sequence variant interpretation guidelines (Richards et al. 2015 PMID: 25741868, with internal and published modifications).

Labcorp Genetics (formerly Invitae), Labcorp
Classification: Likely benign. Last evaluated: 2024-03-19. Review status: criteria provided, single submitter. Criteria: Invitae Variant Classification Sherloc (09022015). Collection method: clinical testing. Allele origin: germline.

Blueprint Genetics
Classification: Likely benign. Last evaluated: 2023-09-18. Review status: criteria provided, single submitter. Criteria: ACMG Guidelines, 2015. Collection method: clinical testing. Allele origin: germline.